The following is an entry in ClinVar:

NM_001098511.3(KIF2A):c.743T>C (p.Ile248Thr)

Gene: KIF2A (kinesin family member 2A; plus strand). Cytogenetic location: 5q12.1.
Variant type: single nucleotide variant.
Coding change: c.743T>C on transcript NM_001098511.3 (MANE Select); coding-DNA position 743, T replaced by C.
Protein change: p.Ile248Thr; replaces isoleucine 248 with threonine.
Molecular consequence: missense variant.
Genome position (GRCh38, 1-based): chr5:62,358,170, T>C. VCF-style: chr5-62358170-T-C. GRCh37 (hg19) VCF-style: chr5-61653997-T-C.
Other names: c.662T>C, p.Ile221Thr (NM_001243952.2); c.686T>C, p.Ile229Thr (NM_001243953.2); c.743T>C, p.Ile248Thr (NM_004520.5); short protein forms I221T, I229T, I248T.
Identifiers: ClinVar variation 1350461 (VCV001350461.9), dbSNP rs2111942092, ClinGen allele CA359949785.

ClinVar aggregate classification (germline): Uncertain significance. Review status: criteria provided, multiple submitters, no conflicts (2 of 4 stars). 2 submissions from 2 submitters: Uncertain significance (2). Last evaluated 2025-11-11.

Submissions (2):

Women's Health and Genetics/Laboratory Corporation of America, LabCorp
Classification: Uncertain significance. Last evaluated: 2025-11-11. Review status: criteria provided, single submitter. Criteria: LabCorp Variant Classification Summary - May 2015. Collection method: clinical testing. Allele origin: germline.
Comment: Variant summary: KIF2A c.743T>C (p.Ile248Thr) results in a non-conservative amino acid change in the encoded protein sequence. Algorithms developed to predict the effect of missense changes on protein structure and function are either unavailable or do not agree on the potential impact of this missense change. The variant was absent in 221610 control chromosomes. The available data on variant occurrences in the general population are insufficient to allow any conclusion about variant significance. To our knowledge, no occurrence of c.743T>C in individuals affected with KIF2A-related conditions and no experimental evidence demonstrating its impact on protein function have been reported. ClinVar contains an entry for this variant (Variation ID: 1350461). Based on the evidence outlined above, the variant was classified as uncertain significance.

Labcorp Genetics (formerly Invitae), Labcorp
Classification: Uncertain significance. Last evaluated: 2022-02-03. Review status: criteria provided, single submitter. Criteria: Invitae Variant Classification Sherloc (09022015). Collection method: clinical testing. Allele origin: germline.
Comment: This sequence change replaces isoleucine, which is neutral and non-polar, with threonine, which is neutral and polar, at codon 248 of the KIF2A protein (p.Ile248Thr). This variant is not present in population databases (gnomAD no frequency). This variant has not been reported in the literature in individuals affected with KIF2A-related conditions. Algorithms developed to predict the effect of missense changes on protein structure and function (SIFT, PolyPhen-2, Align-GVGD) all suggest that this variant is likely to be disruptive. In summary, the available evidence is currently insufficient to determine the role of this variant in disease. Therefore, it has been classified as a Variant of Uncertain Significance.